The following is an entry in ClinVar:

NM_000551.4(VHL):c.359G>A (p.Arg120Lys)

Genes: VHL (von Hippel-Lindau tumor suppressor; plus strand), LOC107303340 (3p25 von Hippel-Lindau tumor suppressor, E3 ubiquitin protein ligase Alu-mediated recombination region; plus strand). Cytogenetic location: 3p25.3.
Variant type: single nucleotide variant.
Coding change: c.359G>A on transcript NM_000551.4 (MANE Select); coding-DNA position 359, G replaced by A.
Protein change: p.Arg120Lys; replaces arginine 120 with lysine.
Molecular consequence: missense variant. On other transcripts: non-coding transcript variant (1), intron variant (2).
Genome position (GRCh38, 1-based): chr3:10,146,532, G>A. VCF-style: chr3-10146532-G-A. GRCh37 (hg19) VCF-style: chr3-10188216-G-A.
Other names: c.*18-3255G>A (NM_001354723.2); c.341-3255G>A (NM_198156.3); short protein forms R120K.
Identifiers: ClinVar variation 4278944 (VCV004278944.1).
Genomic context (GRCh38, chr3:10,146,532, plus strand): 5'-CCACCGGTGTGGCTCTTTAACAACCTTTGCTTGTCCCGATAGGTCACCTTTGGCTCTTCA[G>A]AGATGCAGGGACACACGATGGGCTTCTGGTTAACCAAACTGAATTATTTGTGCCATCTCT-3'
Protein context (NP_000542.1, residues 110-130): HSYRGHLWLF[Arg120Lys]DAGTHDGLLV

ClinVar aggregate classification (germline): Likely pathogenic (1 of 4 stars; one submission).

Conditions:
Von Hippel-Lindau syndrome (VHLS). Also called: von Hippel–Lindau syndrome; VHL syndrome; Von Hippel-Lindau. Identifiers: Orphanet 892, MedGen C0019562, MONDO:0008667, OMIM 193300. Disease mechanism: loss of function.

Submission:

Kasturba Medical College, Manipal, Kasturba Medical College, Manipal, Manipal Academy of Higher Education, Manipal, India
Classification: Likely pathogenic for Von Hippel-Lindau syndrome. Review status: criteria provided, single submitter. Criteria: ACMG Guidelines, 2015. Collection method: research. Allele origin: de novo. Inheritance: Autosomal dominant inheritance. Affected: yes.
Comment: This variant is not reported in homozygous and/or heterozygous state in the population database gnomAD (v4.1.0) and in our in-house exome database of 3754 individuals. In silico prediction tools (REVEL, CADD_phred) are consistent in predicting the variant to be damaging to VHL protein function. Another amino acid change at the same position, c.358A>G p.(Arg120Gly) has already been reported as likely pathogenic to cause von Hippel-Lindau Syndrome (Bausch et al., 2016; VCV000223199.13)

Literature cited by the submitters: PubMed 25867206.